The following is an entry in ClinVar:

ClinVar aggregate classification (germline): Uncertain significance. Review status: criteria provided, multiple submitters, no conflicts (2 of 4 stars). 2 submissions from 2 submitters: Uncertain significance (2). Last evaluated 2024-05-13.

Conditions:
Cryopyrin associated periodic syndrome (CAPS). Identifiers: Orphanet 208650, MedGen C2316212, MONDO:0016168.

Allele frequency attached by ClinVar (database versions not stated): ExAC 0.00001; gnomAD 0.00001 and 0.00002; gnomAD exomes 0.00002 and 0.00003; TOPMed 0.00003.
gnomAD v4.1: 50 of 1,611,330 alleles (0.0031%); highest among the groups gnomAD compares: Non-Finnish European, 0.0037%; no homozygotes.

Submissions (2):

Labcorp Genetics (formerly Invitae), Labcorp
Classification: Uncertain significance for Cryopyrin associated periodic syndrome. Last evaluated: 2024-05-13. Review status: criteria provided, single submitter. Criteria: Invitae Variant Classification Sherloc (09022015). Collection method: clinical testing. Allele origin: germline.
Comment: This sequence change replaces leucine, which is neutral and non-polar, with phenylalanine, which is neutral and non-polar, at codon 447 of the NLRP3 protein (p.Leu447Phe). This variant is present in population databases (rs202121800, gnomAD 0.005%). This variant has not been reported in the literature in individuals affected with NLRP3-related conditions. ClinVar contains an entry for this variant (Variation ID: 234289). Advanced modeling of protein sequence and biophysical properties (such as structural, functional, and spatial information, amino acid conservation, physicochemical variation, residue mobility, and thermodynamic stability) has been performed at Invitae for this missense variant, however the output from this modeling did not meet the statistical confidence thresholds required to predict the impact of this variant on NLRP3 protein function. In summary, the available evidence is currently insufficient to determine the role of this variant in disease. Therefore, it has been classified as a Variant of Uncertain Significance.

GeneDx
Classification: Uncertain significance. Last evaluated: 2015-01-06. Review status: criteria provided, single submitter. Criteria: GeneDx Variant Classification (06012015). Collection method: clinical testing. Allele origin: germline. Affected: yes.
Comment: The L447F variant of unknown significance has not been published as a mutation, nor has it been reported as a benign polymorphism to our knowledge. It was not observed in approximately 6,500 individuals of European and African American ancestry in the NHLBI Exome Sequencing Project, indicating it is not a common benign variant in these populations. L447F is a conservative amino acid substitution, which is not likely to impact secondary protein structure as these residues share similar properties. This substitution occurs at a position that is conserved across species. In silico analysis is inconsistent in its predictions as to whether or not the variant is damaging to the protein structure/function. Missense mutations in nearby residues (A441P, A441T, A441V, Y443H, and F445L) have been reported in the Human Gene Mutation Database in association with NLRP3-related disorders (Stenson et al., 2014), supporting the functional importance of this region of the protein. Therefore, based on the currently available information, it is unclear whether this variant is a pathogenic mutation or a rare benign variant.

NM_001243133.2(NLRP3):c.1333C>T (p.Leu445Phe)

Gene: NLRP3 (NLR family pyrin domain containing 3; plus strand). Cytogenetic location: 1q44.
Variant type: single nucleotide variant.
Coding change: c.1333C>T on transcript NM_001243133.2 (MANE Select); coding-DNA position 1333, C replaced by T.
Protein change: p.Leu445Phe; replaces leucine 445 with phenylalanine.
Molecular consequence: missense variant.
Genome position (GRCh38, 1-based): chr1:247,424,782, C>T. VCF-style: chr1-247424782-C-T. GRCh37 (hg19) VCF-style: chr1-247588084-C-T.
Other names: c.1333C>T, p.Leu445Phe (NM_001079821.3, NM_001127461.3, NM_001127462.3 and 1 more transcripts); c.1339C>T, p.Leu447Phe (NM_004895.5); short protein forms L447F, L445F.
Identifiers: ClinVar variation 234289 (VCV000234289.10), dbSNP rs202121800, ClinGen allele CA1495012.